The following is an entry in ClinVar:

NM_001371928.1(AHDC1):c.2501del (p.Asn834fs)

Gene: AHDC1 (AT-hook DNA binding motif containing 1; minus strand). Cytogenetic location: 1p36.11.
Variant type: Deletion.
Coding change: c.2501del on transcript NM_001371928.1 (MANE Select); coding-DNA position 2501, one base deleted (A; older notation c.2501delA).
Protein change: p.Asn834fs; shifts the reading frame from asparagine 834.
Molecular consequence: frameshift variant.
Genome position (GRCh38, 1-based): chr1:27,549,615, T deleted on the plus strand (A on the coding strand, the reverse complement: AHDC1 is on the minus strand); the first of 4 consecutive T bases (chr1:27,549,615-27,549,618); deleting any one gives the same sequence. VCF-style (leftmost placement, unchanged base first): chr1-27549614-GT-G. GRCh37 (hg19) VCF-style: chr1-27876125-GT-G.
Other names: c.2501del, p.Asn834fs (NM_001029882.3); short protein forms N834fs.
Identifiers: ClinVar variation 3632856 (VCV003632856.2).

ClinVar aggregate classification (germline): Pathogenic (1 of 4 stars; one submission).

Submission:

Labcorp Genetics (formerly Invitae), Labcorp
Classification: Pathogenic. Last evaluated: 2024-04-10. Review status: criteria provided, single submitter. Criteria: Invitae Variant Classification Sherloc (09022015). Collection method: clinical testing. Allele origin: germline.
Comment: This sequence change creates a premature translational stop signal (p.Asn834Thrfs*98) in the AHDC1 gene. It is expected to result in an absent or disrupted protein product. Loss-of-function variants in AHDC1 are known to be pathogenic (PMID: 24791903, 27148574). This variant is not present in population databases (gnomAD no frequency). This variant has not been reported in the literature in individuals affected with AHDC1-related conditions. For these reasons, this variant has been classified as Pathogenic.

Literature cited by the submitters: PubMed 24791903; PubMed 27148574.